The following is an entry in ClinVar:

ClinVar aggregate classification (germline): Uncertain significance (1 of 4 stars; one submission).

Conditions:
Multiple gastrointestinal atresias. Also called: Multiple intestinal atresia; FAMILIAL INTESTINAL POLYATRESIA SYNDROME. Identifiers: Orphanet 2300, MedGen C0220744, MONDO:0009465.

Submission:

Labcorp Genetics (formerly Invitae), Labcorp
Classification: Uncertain significance for Multiple gastrointestinal atresias. Last evaluated: 2019-11-26. Review status: criteria provided, single submitter. Criteria: Invitae Variant Classification Sherloc (09022015). Collection method: clinical testing. Allele origin: germline.
Comment: This variant has not been reported in the literature in individuals with TTC7A-related conditions. In summary, the available evidence is currently insufficient to determine the role of this variant in disease. Therefore, it has been classified as a Variant of Uncertain Significance. Algorithms developed to predict the effect of missense changes on protein structure and function are either unavailable or do not agree on the potential impact of this missense change (SIFT: "Deleterious"; PolyPhen-2: "Probably Damaging"; Align-GVGD: "Class C0"). This variant is not present in population databases (ExAC no frequency). This sequence change replaces glutamic acid with valine at codon 193 of the TTC7A protein (p.Glu193Val). The glutamic acid residue is moderately conserved and there is a moderate physicochemical difference between glutamic acid and valine.

NM_020458.4(TTC7A):c.578A>T (p.Glu193Val)

Genes: TTC7A (tetratricopeptide repeat domain 7A; plus strand), LOC126806211 (CDK7 strongly-dependent group 2 enhancer GRCh37_chr2:47201305-47202504; plus strand). Cytogenetic location: 2p21.
Variant type: single nucleotide variant.
Coding change: c.578A>T on transcript NM_020458.4 (MANE Select); coding-DNA position 578, A replaced by T.
Protein change: p.Glu193Val; replaces glutamic acid 193 with valine.
Molecular consequence: missense variant. On other transcripts: 5 prime UTR variant (1).
Genome position (GRCh38, 1-based): chr2:46,975,033, A>T. VCF-style: chr2-46975033-A-T. GRCh37 (hg19) VCF-style: chr2-47202172-A-T.
Other names: c.578A>T, p.Glu193Val (NM_001288951.2); c.476A>T, p.Glu159Val (NM_001288953.2); c.-327A>T (NM_001288955.2); short protein forms E159V, E193V.
Identifiers: ClinVar variation 849872 (VCV000849872.10), dbSNP rs1673735795, ClinGen allele CA346723058.